The following is an entry in ClinVar:

NM_000264.5(PTCH1):c.3164T>C (p.Ile1055Thr)

Gene: PTCH1 (patched 1; minus strand). Cytogenetic location: 9q22.32.
Variant type: single nucleotide variant.
Coding change: c.3164T>C on transcript NM_000264.5 (MANE Select); coding-DNA position 3164, T replaced by C.
Protein change: p.Ile1055Thr; replaces isoleucine 1055 with threonine.
Molecular consequence: missense variant. On other transcripts: non-coding transcript variant (1).
Genome position (GRCh38, 1-based): chr9:95,458,017, A>G on the plus strand (T>C on the coding strand, the complement: PTCH1 is on the minus strand). VCF-style: chr9-95458017-A-G. GRCh37 (hg19) VCF-style: chr9-98220299-A-G.
Other names: c.2966T>C, p.Ile989Thr (NM_001083602.3); c.3161T>C, p.Ile1054Thr (NM_001083603.3); c.2711T>C, p.Ile904Thr (NM_001083604.3, NM_001083605.3, NM_001083606.3 and 1 more transcripts); c.3008T>C, p.Ile1003Thr (NM_001354918.2); short protein forms I1003T, I1055T, I904T, I1054T, I989T.
Identifiers: ClinVar variation 5027570 (VCV005027570.1).

ClinVar aggregate classification (germline): Uncertain significance (1 of 4 stars; one submission).

Conditions:
Hereditary cancer-predisposing syndrome. Also called: Neoplastic Syndromes, Hereditary; Tumor predisposition; Hereditary neoplastic syndrome; Hereditary Cancer Syndrome. Identifiers: Orphanet 140162, MedGen C0027672, MeSH D009386, MONDO:0015356.

Submission:

Ambry Genetics
Classification: Uncertain significance for Hereditary cancer-predisposing syndrome. Last evaluated: 2026-09-06. Review status: criteria provided, single submitter. Criteria: Ambry Variant Classification Scheme 2023. Collection method: clinical testing. Allele origin: germline.
Comment: The p.I1055T variant (also known as c.3164T>C), located in coding exon 18 of the PTCH1 gene, results from a T to C substitution at nucleotide position 3164. The isoleucine at codon 1055 is replaced by threonine, an amino acid with similar properties. This amino acid position is conserved. In addition, this alteration is predicted to be deleterious by in silico analysis. Based on the available evidence, the clinical significance of this variant remains unclear.